The following is an entry in ClinVar:

ClinVar aggregate classification (germline): Uncertain significance (1 of 4 stars; one submission).

Submission:

Labcorp Genetics (formerly Invitae), Labcorp
Classification: Uncertain significance. Last evaluated: 2022-06-18. Review status: criteria provided, single submitter. Criteria: Invitae Variant Classification Sherloc (09022015). Collection method: clinical testing. Allele origin: germline.
Comment: In summary, the available evidence is currently insufficient to determine the role of this variant in disease. Therefore, it has been classified as a Variant of Uncertain Significance. Algorithms developed to predict the effect of sequence changes on RNA splicing suggest that this variant may disrupt the consensus splice site. This variant has not been reported in the literature in individuals affected with INTU-related conditions. This variant is not present in population databases (gnomAD no frequency). This sequence change affects codon 376 of the INTU mRNA. It is a 'silent' change, meaning that it does not change the encoded amino acid sequence of the INTU protein.

NM_015693.4(INTU):c.1128G>A (p.Val376=)

Gene: INTU (inturned planar cell polarity protein; plus strand). Cytogenetic location: 4q28.1.
Variant type: single nucleotide variant.
Coding change: c.1128G>A on transcript NM_015693.4 (MANE Select); coding-DNA position 1128, G replaced by A.
Protein change: p.Val376=; no amino-acid change (valine 376 retained).
Molecular consequence: synonymous variant.
Genome position (GRCh38, 1-based): chr4:127,674,160, G>A. VCF-style: chr4-127674160-G-A. GRCh37 (hg19) VCF-style: chr4-128595315-G-A.
Identifiers: ClinVar variation 2008017 (VCV002008017.4), dbSNP rs2530955972, ClinGen allele CA441205497.